The following is an entry in ClinVar:

ClinVar aggregate classification (germline): Pathogenic (1 of 4 stars; one submission).

Submission:

Labcorp Genetics (formerly Invitae), Labcorp
Classification: Pathogenic. Last evaluated: 2022-09-27. Review status: criteria provided, single submitter. Criteria: Invitae Variant Classification Sherloc (09022015). Collection method: clinical testing. Allele origin: germline.
Comment: For these reasons, this variant has been classified as Pathogenic. ClinVar contains an entry for this variant (Variation ID: 1454421). This variant has not been reported in the literature in individuals affected with P3H2-related conditions. This variant is not present in population databases (gnomAD no frequency). This sequence change creates a premature translational stop signal (p.Phe241Serfs*23) in the P3H2 gene. It is expected to result in an absent or disrupted protein product. Loss-of-function variants in P3H2 are known to be pathogenic (PMID: 24172257, 25469533).

Literature cited by the submitters: PubMed 24172257; PubMed 25469533.

NM_018192.4(P3H2):c.722del (p.Phe241fs)

Gene: P3H2 (prolyl 3-hydroxylase 2; minus strand). Cytogenetic location: 3q28.
Variant type: Deletion.
Coding change: c.722del on transcript NM_018192.4 (MANE Select); coding-DNA position 722, one base deleted (T; older notation c.722delT).
Protein change: p.Phe241fs; shifts the reading frame from phenylalanine 241.
Molecular consequence: frameshift variant.
Genome position (GRCh38, 1-based): chr3:189,994,195, A deleted on the plus strand (T on the coding strand, the reverse complement: P3H2 is on the minus strand); the first of 3 consecutive A bases (chr3:189,994,195-189,994,197); deleting any one gives the same sequence. VCF-style (leftmost placement, unchanged base first): chr3-189994194-GA-G. GRCh37 (hg19) VCF-style: chr3-189711983-GA-G.
Other names: c.179del, p.Phe60fs (NM_001134418.2); short protein forms F241fs, F60fs.
Identifiers: ClinVar variation 1454421 (VCV001454421.6), dbSNP rs746258258, ClinGen allele CA2753233.